The following is an entry in ClinVar:

ClinVar aggregate classification (germline): Uncertain significance (1 of 4 stars; one submission).

Conditions:
Familial thoracic aortic aneurysm and aortic dissection (TAAD). Also called: Thoracic aortic aneurysms and dissections. Identifiers: Orphanet 91387, MedGen C4707243, MONDO:0019625.

Submission:

Color Diagnostics, LLC DBA Color Health
Classification: Uncertain significance for Familial thoracic aortic aneurysm and aortic dissection. Last evaluated: 2024-03-06. Review status: criteria provided, single submitter. Criteria: ACMG Guidelines, 2015. Collection method: clinical testing. Allele origin: germline.
Comment: This missense variant replaces proline with leucine at codon 668 of the COL3A1 protein. Computational prediction is inconclusive regarding the impact of this variant on protein structure and function (internally defined REVEL score threshold 0.5 < inconclusive < 0.7, PMID: 27666373). Splice site prediction tools suggest that this variant may not impact RNA splicing. To our knowledge, functional studies have not been performed for this variant. This variant has not been reported in individuals affected with cardiovascular disorders in the literature. This variant has not been identified in the general population by the Genome Aggregation Database (gnomAD). The available evidence is insufficient to determine the role of this variant in disease conclusively. Therefore, this variant is classified as a Variant of Uncertain Significance.

NM_000090.4(COL3A1):c.2003C>T (p.Pro668Leu)

Gene: COL3A1 (collagen type III alpha 1 chain; plus strand). Cytogenetic location: 2q32.2.
Variant type: single nucleotide variant.
Coding change: c.2003C>T on transcript NM_000090.4 (MANE Select); coding-DNA position 2003, C replaced by T.
Protein change: p.Pro668Leu; replaces proline 668 with leucine.
Molecular consequence: missense variant.
Genome position (GRCh38, 1-based): chr2:188,998,699, C>T. VCF-style: chr2-188998699-C-T. GRCh37 (hg19) VCF-style: chr2-189863425-C-T.
Other names: short protein forms P668L.
Identifiers: ClinVar variation 925875 (VCV000925875.4), dbSNP rs1576467905, ClinGen allele CA349854399.